The following is an entry in ClinVar:

ClinVar aggregate classification (germline): Likely benign. Review status: criteria provided, single submitter (1 of 4 stars). 2 submissions from 2 submitters: Likely benign (1). 1 of the submissions does not count toward it. Last evaluated 2022-02-17.

Conditions:
Inborn genetic diseases. Identifiers: MedGen C0950123, MeSH D030342.
MAP1B-related disorder. Also called: MAP1B-related condition.

Allele frequency attached by ClinVar (database versions not stated): gnomAD exomes 0.00003; ExAC 0.00010; gnomAD 0.00036; 1000 Genomes Project 0.00040; TOPMed 0.00043; 1000 Genomes Project 30x 0.00047.
gnomAD v4.1: 109 of 1,614,164 alleles (0.0068%); highest among the groups gnomAD compares: African/African-American, 0.13%; no homozygotes.

Submissions (2):

Ambry Genetics
Classification: Likely benign for Inborn genetic diseases. Last evaluated: 2022-02-17. Review status: criteria provided, single submitter. Criteria: Ambry Variant Classification Scheme 2023. Collection method: clinical testing. Allele origin: germline.

PreventionGenetics, part of Exact Sciences
Classification: Likely benign for MAP1B-related condition. Last evaluated: 2023-02-26. Review status: no assertion criteria provided. Collection method: clinical testing. Allele origin: germline. Not counted in ClinVar's aggregate classification.
Comment: This variant is classified as likely benign based on ACMG/AMP sequence variant interpretation guidelines (Richards et al. 2015 PMID: 25741868, with internal and published modifications).

NM_005909.5(MAP1B):c.6254T>C (p.Val2085Ala)

Gene: MAP1B (microtubule associated protein 1B; plus strand). Cytogenetic location: 5q13.2.
Variant type: single nucleotide variant.
Coding change: c.6254T>C on transcript NM_005909.5 (MANE Select); coding-DNA position 6254, T replaced by C.
Protein change: p.Val2085Ala; replaces valine 2085 with alanine.
Molecular consequence: missense variant.
Genome position (GRCh38, 1-based): chr5:72,199,609, T>C. VCF-style: chr5-72199609-T-C. GRCh37 (hg19) VCF-style: chr5-71495436-T-C.
Other names: c.5876T>C, p.Val1959Ala (NM_001324255.2); c.6254T>C (NM_005909.4); short protein forms V1959A, V2085A.
Identifiers: ClinVar variation 2280061 (VCV002280061.4), dbSNP rs553330936, ClinGen allele CA3299457.